The following is an entry in ClinVar:

ClinVar aggregate classification (germline): Uncertain significance (1 of 4 stars; one submission).

Allele frequency attached by ClinVar (database versions not stated): ExAC 0.00002; gnomAD 0.00003; TOPMed 0.00004; gnomAD exomes 0.00005.
gnomAD v4.1: 72 of 1,608,980 alleles (0.0045%); highest among the groups gnomAD compares: African/African-American, 0.0094%; no homozygotes.

Submission:

Ambry Genetics
Classification: Uncertain significance. Last evaluated: 2024-11-22. Review status: criteria provided, single submitter. Criteria: Ambry Variant Classification Scheme 2023. Collection method: clinical testing. Allele origin: germline.
Comment: The p.A1105T variant (also known as c.3313G>A), located in coding exon 12 of the WNK2 gene, results from a G to A substitution at nucleotide position 3313. The alanine at codon 1105 is replaced by threonine, an amino acid with similar properties. This amino acid position is conserved. In addition, this alteration is predicted to be tolerated by in silico analysis. Based on the available evidence, the clinical significance of this variant remains unclear.

NM_006648.4(WNK2):c.3313G>A (p.Ala1105Thr)

Gene: WNK2 (WNK lysine deficient protein kinase 2; plus strand). Cytogenetic location: 9q22.31.
Variant type: single nucleotide variant.
Coding change: c.3313G>A on transcript NM_006648.4 (MANE Select); coding-DNA position 3313, G replaced by A.
Protein change: p.Ala1105Thr; replaces alanine 1105 with threonine.
Molecular consequence: missense variant.
Genome position (GRCh38, 1-based): chr9:93,262,060, G>A. VCF-style: chr9-93262060-G-A. GRCh37 (hg19) VCF-style: chr9-96024342-G-A.
Other names: c.3313G>A, p.Ala1105Thr (NM_001282394.3); short protein forms A1105T.
Identifiers: ClinVar variation 2532627 (VCV002532627.3), dbSNP rs754565876, ClinGen allele CA5129906.